The following is an entry in ClinVar:

NM_023110.3(FGFR1):c.2361G>A (p.Thr787=)

Gene: FGFR1 (fibroblast growth factor receptor 1; minus strand). Cytogenetic location: 8p11.23.
Variant type: single nucleotide variant.
Coding change: c.2361G>A on transcript NM_023110.3 (MANE Select); coding-DNA position 2361, G replaced by A.
Protein change: p.Thr787=; no amino-acid change (threonine 787 retained).
Molecular consequence: synonymous variant. On other transcripts: intron variant (3).
Genome position (GRCh38, 1-based): chr8:38,413,736, C>T on the plus strand (G>A on the coding strand, the complement: FGFR1 is on the minus strand). VCF-style: chr8-38413736-C-T. GRCh37 (hg19) VCF-style: chr8-38271254-C-T.
Other names: c.2355G>A, p.Thr785= (NM_001174063.2, NM_001174065.2, NM_015850.4); c.2331G>A, p.Thr777= (NM_001174064.2); c.2094G>A, p.Thr698= (NM_001174066.2, NM_023105.3); c.2454G>A, p.Thr818= (NM_001174067.2); c.2082G>A, p.Thr694= (NM_001354368.2); c.2088G>A, p.Thr696= (NM_023106.3); c.2019+182G>A (NM_001354370.2); c.2286+182G>A (NM_001354367.2); and 1 more.
Identifiers: ClinVar variation 697534 (VCV000697534.47), dbSNP rs200408837, ClinGen allele CA4718089.

ClinVar aggregate classification (germline): Benign/Likely benign. Review status: criteria provided, multiple submitters, no conflicts (2 of 4 stars). 8 submissions from 5 submitters: Benign (3); Likely benign (5). Last evaluated 2025-11-22.

Conditions:
Osteoglophonic dysplasia (OGD). Also called: Osteoglophonic dwarfism. Identifiers: Orphanet 2645, MedGen C0432283, MONDO:0008150, OMIM 166250.
Pfeiffer syndrome (ACS5). Also called: ACS V. Identifiers: Orphanet 710, MedGen C0220658, MONDO:0007043, OMIM 101600.
Hypogonadotropic hypogonadism 2 with or without anosmia (HH2). Also called: HYPOGONADOTROPIC HYPOGONADISM 2 WITHOUT ANOSMIA; HYPOGONADOTROPIC HYPOGONADISM 2 WITH OR WITHOUT ANOSMIA, SUSCEPTIBILITY TO; HYPOGONADOTROPIC HYPOGONADISM 2 WITHOUT ANOSMIA, SUSCEPTIBILITY TO; FGFR1-Related GnRH Deficiency (Kallmann Syndrome 2). Identifiers: Orphanet 478, MedGen C1563720, MONDO:0007844, OMIM 147950. Disease mechanism: loss of function.
Craniosynostosis syndrome. Also called: Craniosynostosis. Identifiers: Orphanet 1531, MedGen C0010278, MeSH D003398, MONDO:0015469, HP:0001363.
Trigonocephaly 1 (TRIGNO1). Identifiers: Orphanet 3366, MedGen C0432122, MONDO:0008603, OMIM 190440.

Allele frequency attached by ClinVar (database versions not stated): ExAC 0.00032; gnomAD exomes 0.00037; TOPMed 0.00038; ESP Exome Variant Server 0.00040; gnomAD 0.00054 and 0.00058.
gnomAD v4.1: 1,042 of 1,613,950 alleles (0.065%); highest among the groups gnomAD compares: Non-Finnish European, 0.085%; 2 homozygotes.

Submissions (8):

Labcorp Genetics (formerly Invitae), Labcorp
Classification: Likely benign for Pfeiffer syndrome; Hypogonadotropic hypogonadism 2 with or without anosmia. Last evaluated: 2025-11-22. Review status: criteria provided, single submitter. Criteria: Invitae Variant Classification Sherloc (09022015). Collection method: clinical testing. Allele origin: germline.

CeGaT Center for Human Genetics Tuebingen
Classification: Likely benign. Last evaluated: 2025-01-01. Review status: criteria provided, single submitter. Criteria: CeGaT Center For Human Genetics Tuebingen Variant Classification Criteria Version 2. Collection method: clinical testing. Allele origin: germline. Affected: yes. Observed: 2 variant alleles.
Comment: FGFR1: BP4, BP7

Blueprint Genetics
Classification: Likely benign. Last evaluated: 2024-11-12. Review status: criteria provided, single submitter. Criteria: ACMG Guidelines, 2015. Collection method: clinical testing. Allele origin: germline.

GeneDx
Classification: Likely benign. Last evaluated: 2021-01-25. Review status: criteria provided, single submitter. Criteria: GeneDx Variant Classification Process June 2021. Collection method: clinical testing. Allele origin: germline. Affected: yes.

Illumina Laboratory Services, Illumina
Classification: Benign for Trigonocephaly 1. Last evaluated: 2018-01-13. Review status: criteria provided, single submitter. Criteria: ICSL Variant Classification Criteria 13 December 2019. Collection method: clinical testing. Allele origin: germline.
Comment: This variant was observed in the ICSL laboratory as part of a predisposition screen in an ostensibly healthy population. It had not been previously curated by ICSL or reported in the Human Gene Mutation Database (HGMD: prior to June 1st, 2018), and was therefore a candidate for classification through an automated scoring system. Utilizing variant allele frequency, disease prevalence and penetrance estimates, and inheritance mode, an automated score was calculated to assess if this variant is too frequent to cause the disease. Based on the score and internal cut-off values, a variant classified as benign is not then subjected to further curation. The score for this variant resulted in a classification of benign for this disease.

Illumina Laboratory Services, Illumina
Classification: Likely benign for Hypogonadotropic hypogonadism 2 with or without anosmia. Last evaluated: 2018-01-13. Review status: criteria provided, single submitter. Criteria: ICSL Variant Classification Criteria 13 December 2019. Collection method: clinical testing. Allele origin: germline.
Comment: This variant was observed in the ICSL laboratory as part of a predisposition screen in an ostensibly healthy population. It had not been previously curated by ICSL or reported in the Human Gene Mutation Database (HGMD: prior to June 1st, 2018), and was therefore a candidate for classification through an automated scoring system. Utilizing variant allele frequency, disease prevalence and penetrance estimates, and inheritance mode, an automated score was calculated to assess if this variant is too frequent to cause the disease. Based on the score and internal cut-off values, a variant classified as likely benign is not then subjected to further curation. The score for this variant resulted in a classification of likely benign for this disease.

Illumina Laboratory Services, Illumina
Classification: Benign for Craniosynostosis. Last evaluated: 2018-01-13. Review status: criteria provided, single submitter. Criteria: ICSL Variant Classification Criteria 13 December 2019. Collection method: clinical testing. Allele origin: germline.
Comment: the same text as in the submission from Illumina Laboratory Services, Illumina above.

Illumina Laboratory Services, Illumina
Classification: Benign for Osteoglophonic dysplasia. Last evaluated: 2018-01-13. Review status: criteria provided, single submitter. Criteria: ICSL Variant Classification Criteria 13 December 2019. Collection method: clinical testing. Allele origin: germline.
Comment: the same text as in the submission from Illumina Laboratory Services, Illumina above.